The following is an entry in ClinVar:

NM_033305.3(VPS13A):c.3492del (p.Leu1165fs)

Gene: VPS13A (vacuolar protein sorting 13 homolog A; plus strand). Cytogenetic location: 9q21.2.
Variant type: Deletion.
Coding change: c.3492del on transcript NM_033305.3 (MANE Select); coding-DNA position 3492, one base deleted (T; older notation c.3492delT).
Protein change: p.Leu1165fs; shifts the reading frame from leucine 1165.
Molecular consequence: frameshift variant.
Genome position (GRCh38, 1-based): chr9:77,293,493, T deleted; the last of 3 consecutive T bases (chr9:77,293,491-77,293,493); deleting any one gives the same sequence. VCF-style (leftmost placement, unchanged base first): chr9-77293490-AT-A. GRCh37 (hg19) VCF-style: chr9-79908406-AT-A.
Other names: c.3375del, p.Leu1126fs (NM_001018037.2); c.3492del, p.Leu1165fs (NM_001018038.3, NM_015186.4); short protein forms L1126fs, L1165fs.
Identifiers: ClinVar variation 4816393 (VCV004816393.1).

ClinVar aggregate classification (germline): Likely pathogenic (1 of 4 stars; one submission).

Conditions:
VPS13A-related neurodegenerative disease. Also called: LEVINE-CRITCHLEY SYNDROME; Choreoacanthocytosis; Chorea-acanthocytosis; ACANTHOCYTOSIS WITH NEUROLOGIC DISORDER; VPS13A Disease; Choreaacanthocytosis. Identifiers: Orphanet 2388, MedGen C0393576, MONDO:0008695, OMIM 200150.

Submission:

Natera, Inc.
Classification: Likely pathogenic for Choreaacanthocytosis. Last evaluated: 2025-08-25. Review status: criteria provided, single submitter. Criteria: Natera Variant Classification Schema (03/2026). Collection method: clinical testing. Allele origin: germline.
Comment: The c.3492del variant in VPS13A is a frameshift variant predicted to shift the reading frame beginning at codon 1165 and leads to a stop codon 8 codons downstream. This variant is expected to result in nonsense mediated decay, truncation, or a dysfunctional protein product. This variant is rare in the general population with a frequency below the threshold expected for the associated phenotype(s). Given the available evidence, this variant is classified as Likely Pathogenic.